The following is an entry in ClinVar:

ClinVar aggregate classification (germline): Conflicting classifications of pathogenicity. Review status: criteria provided, conflicting classifications (1 of 4 stars). 10 submissions from 10 submitters: Uncertain significance (2); Benign (1); Likely benign (7). Last evaluated 2025-12-31.

Conditions:
BAP1-related tumor predisposition syndrome (TPDS1). Also called: BAP1 tumor predisposition syndrome; COMMON Syndrome; Tumor susceptibility linked to germline BAP1 mutations; TUMOR PREDISPOSITION SYNDROME 1. Identifiers: Orphanet 289539, MedGen C3280492, MONDO:0013692, OMIM 614327.
Hereditary cancer-predisposing syndrome. Also called: Neoplastic Syndromes, Hereditary; Hereditary Cancer Syndrome; Tumor predisposition; Hereditary neoplastic syndrome. Identifiers: Orphanet 140162, MedGen C0027672, MeSH D009386, MONDO:0015356.

Allele frequency attached by ClinVar (database versions not stated): TOPMed below 0.00001; gnomAD exomes 0.00001.
gnomAD v4.1: 6 of 1,614,188 alleles (0.00037%); highest among the groups gnomAD compares: Non-Finnish European, 0.00051%; no homozygotes.

Submissions (10):

Labcorp Genetics (formerly Invitae), Labcorp
Classification: Likely benign for BAP1-related tumor predisposition syndrome. Last evaluated: 2025-12-31. Review status: criteria provided, single submitter. Criteria: Invitae Variant Classification Sherloc (09022015). Collection method: clinical testing. Allele origin: germline.

Blueprint Genetics
Classification: Likely benign. Last evaluated: 2024-10-28. Review status: criteria provided, single submitter. Criteria: ACMG Guidelines, 2015. Collection method: clinical testing. Allele origin: germline.

Department of Pathology and Laboratory Medicine, Sinai Health System
Classification: Uncertain significance for BAP1-related tumor predisposition syndrome. Last evaluated: 2024-08-15. Review status: criteria provided, single submitter. Criteria: ACMG Guidelines, 2015. Collection method: clinical testing. Allele origin: germline.

Myriad Genetics, Inc.
Classification: Benign for BAP1-related tumor predisposition syndrome. Last evaluated: 2024-07-17. Review status: criteria provided, single submitter. Criteria: Myriad Autosomal Dominant, Autosomal Recessive and X-Linked Classification Criteria (2023). Collection method: clinical testing. Allele origin: unknown.
Comment: This variant is considered benign. This variant is a silent/synonymous amino acid change and it is not expected to impact splicing.

CeGaT Center for Human Genetics Tuebingen
Classification: Likely benign. Last evaluated: 2023-12-01. Review status: criteria provided, single submitter. Criteria: CeGaT Center For Human Genetics Tuebingen Variant Classification Criteria Version 2. Collection method: clinical testing. Allele origin: germline. Affected: yes. Observed: 1 variant allele.
Comment: BAP1: PM2:Supporting, BP4, BP7

Quest Diagnostics Nichols Institute San Juan Capistrano
Classification: Uncertain significance. Last evaluated: 2022-11-04. Review status: criteria provided, single submitter. Criteria: Quest Diagnostics criteria. Collection method: clinical testing. Allele origin: unknown.
Comment: To the best of our knowledge, the variant has not been reported in the published literature. It also has not been reported in large, multi-ethnic general populations. Analysis of this variant using software algorithms for the prediction of the effect of nucleotide changes on splicing yielded predictions that this variant does not affect BAP1 mRNA splicing . Based on the available information, we are unable to determine the clinical significance of this variant.

Ambry Genetics
Classification: Likely benign for Hereditary cancer-predisposing syndrome. Last evaluated: 2022-01-03. Review status: criteria provided, single submitter. Criteria: Ambry Variant Classification Scheme 2023. Collection method: clinical testing. Allele origin: germline.

Sema4
Classification: Likely benign for Hereditary cancer-predisposing syndrome. Last evaluated: 2020-08-12. Review status: criteria provided, single submitter. Criteria: Sema4 Curation Guidelines. Collection method: curation. Allele origin: germline.

GeneDx
Classification: Likely benign. Last evaluated: 2020-02-25. Review status: criteria provided, single submitter. Criteria: GeneDx Variant Classification Process June 2021. Collection method: clinical testing. Allele origin: germline. Affected: yes.

Color Diagnostics, LLC DBA Color Health
Classification: Likely benign for Hereditary cancer-predisposing syndrome. Last evaluated: 2018-02-07. Review status: criteria provided, single submitter. Criteria: ACMG Guidelines, 2015. Collection method: clinical testing. Allele origin: germline.

NM_004656.4(BAP1):c.1947C>T (p.Cys649=)

Gene: BAP1 (BRCA1 associated deubiquitinase 1; minus strand). Cytogenetic location: 3p21.1.
Variant type: single nucleotide variant.
Coding change: c.1947C>T on transcript NM_004656.4 (MANE Select); coding-DNA position 1947, C replaced by T.
Protein change: p.Cys649=; no amino-acid change (cysteine 649 retained).
Molecular consequence: synonymous variant.
Genome position (GRCh38, 1-based): chr3:52,402,815, G>A on the plus strand (C>T on the coding strand, the complement: BAP1 is on the minus strand). VCF-style: chr3-52402815-G-A. GRCh37 (hg19) VCF-style: chr3-52436831-G-A.
Identifiers: ClinVar variation 508493 (VCV000508493.42), dbSNP rs1041287605, ClinGen allele CA74740101.